The following is an entry in ClinVar:

ClinVar aggregate classification (germline): Pathogenic (1 of 4 stars; one submission).

Conditions:
Microcephalic osteodysplastic primordial dwarfism type II (MOPD2). Also called: Microcephalic osteodysplastic primordial dwarfism with tooth abnormalities; MOPD II; OSTEODYSPLASTIC PRIMORDIAL DWARFISM, TYPE II. Identifiers: Orphanet 2637, MedGen C0432246, MONDO:0008872, OMIM 210720.

Submission:

3billion
Classification: Pathogenic for Microcephalic osteodysplastic primordial dwarfism type II. Last evaluated: 2023-12-02. Review status: criteria provided, single submitter. Criteria: ACMG Guidelines, 2015. Collection method: clinical testing. Allele origin: germline. Affected: yes.
Comment: The variant is not observed in the gnomAD v2.1.1 dataset. Predicted Consequence/Location: Stop-gained (nonsense): predicted to result in a loss or disruption of normal protein function through nonsense-mediated decay (NMD) or protein truncation. Multiple pathogenic variants are reported downstream of the variant. The variant has been reported to be associated with PCNT related disorder (PMID: 30214071). Therefore, this variant is classified as Pathogenic according to the recommendation of ACMG/AMP guideline.

Literature cited by the submitters: PubMed 30214071.

NM_006031.6(PCNT):c.8014G>T (p.Glu2672Ter)

Gene: PCNT (pericentrin; plus strand). Cytogenetic location: 21q22.3.
Variant type: single nucleotide variant.
Coding change: c.8014G>T on transcript NM_006031.6 (MANE Select); coding-DNA position 8014, G replaced by T.
Protein change: p.Glu2672Ter; replaces glutamic acid 2672 with a stop codon.
Molecular consequence: nonsense.
Genome position (GRCh38, 1-based): chr21:46,430,607, G>T. VCF-style: chr21-46430607-G-T. GRCh37 (hg19) VCF-style: chr21-47850521-G-T.
Other names: c.7660G>T, p.Glu2554Ter (NM_001315529.2); short protein forms E2554*, E2672*.
Identifiers: ClinVar variation 3776114 (VCV003776114.1).